The following is an entry in ClinVar:

NM_005592.4(MUSK):c.1299_1300del (p.Cys434fs)

Gene: MUSK (muscle associated receptor tyrosine kinase; plus strand). Cytogenetic location: 9q31.3.
Variant type: Deletion.
Coding change: c.1299_1300del on transcript NM_005592.4 (MANE Select); coding-DNA positions 1299 to 1300, 2 bases deleted (AT; older notation c.1299_1300delAT).
Protein change: p.Cys434fs; shifts the reading frame from cysteine 434.
Molecular consequence: frameshift variant.
Genome position (GRCh38, 1-based): chr9:110,775,902-110,775,903, AT deleted. VCF-style (leftmost placement, unchanged base first): chr9-110775901-AAT-A. GRCh37 (hg19) VCF-style: chr9-113538181-AAT-A.
Other names: c.1065_1066del, p.Cys356fs (NM_001166280.2); c.1035_1036del, p.Cys346fs (NM_001166281.2); c.63_64del, p.Cys22fs (NM_001369398.1); short protein forms C346fs, C356fs, C22fs, C434fs.
Identifiers: ClinVar variation 2948197 (VCV002948197.3), dbSNP rs2491098000, ClinGen allele CA2740095576.
Genomic context (GRCh38, chr9:110,775,901, plus strand): 5'-TGGAAGAGAAGACCCACAGAGGACTCTACAGATCCGAGATGCATTTGCTGTCCGTGCCAG[AAT>A]GCAGCAAGCTTCCCAGCATGCATTGGGACCCCACGGCCTGTGCCAGACTGCCACATCTAG-3'

ClinVar aggregate classification (germline): Pathogenic (1 of 4 stars; one submission).

Conditions:
Fetal akinesia deformation sequence 1 (FADS1). Also called: Fetal akinesia sequence; Pena-Shokeir syndrome type I. Identifiers: Orphanet 994, MedGen C1276035, MONDO:0100101, OMIM 208150, HP:0001989.
Congenital myasthenic syndrome 9. Also called: Myasthenic syndrome, congenital, 9, associated with acetylcholine receptor deficiency. Identifiers: Orphanet 590, MedGen C4225368, MONDO:0014587, OMIM 616325.

Submission:

Labcorp Genetics (formerly Invitae), Labcorp
Classification: Pathogenic for Congenital myasthenic syndrome 9; Fetal akinesia deformation sequence 1. Last evaluated: 2023-06-17. Review status: criteria provided, single submitter. Criteria: Invitae Variant Classification Sherloc (09022015). Collection method: clinical testing. Allele origin: germline.
Comment: For these reasons, this variant has been classified as Pathogenic. This variant has not been reported in the literature in individuals affected with MUSK-related conditions. This variant is not present in population databases (gnomAD no frequency). This sequence change creates a premature translational stop signal (p.Cys434Glnfs*22) in the MUSK gene. It is expected to result in an absent or disrupted protein product. Loss-of-function variants in MUSK are known to be pathogenic (PMID: 8653786, 25612909, 25695962, 25900532).

Literature cited by the submitters: PubMed 8653786; PubMed 25612909; PubMed 25695962; PubMed 25900532.